The following is an entry in ClinVar:

ClinVar aggregate classification (germline): Likely benign. Review status: criteria provided, multiple submitters, no conflicts (2 of 4 stars). 3 submissions from 3 submitters: Likely benign (2). 1 of the submissions does not count toward it. Last evaluated 2024-07-01.

Conditions:
VPS13B-related disorder. Also called: VPS13B-related condition.
Cohen syndrome (COH1). Also called: PEPPER SYNDROME; Cutis verticis gyrata, retinitis pigmentosa, and sensorineural deafness. Identifiers: Orphanet 193, MedGen C0265223, MONDO:0008999, OMIM 216550.

Allele frequency attached by ClinVar (database versions not stated): gnomAD exomes below 0.00001; TOPMed below 0.00001.
gnomAD v4.1: 1 of 1,614,090 alleles (0.000062%); highest among the groups gnomAD compares: Middle Eastern, 0.016%; no homozygotes.

Submissions (3):

CeGaT Center for Human Genetics Tuebingen
Classification: Likely benign. Last evaluated: 2024-07-01. Review status: criteria provided, single submitter. Criteria: CeGaT Center For Human Genetics Tuebingen Variant Classification Criteria Version 2. Collection method: clinical testing. Allele origin: germline. Affected: yes. Observed: 1 variant allele.
Comment: VPS13B: PM2:Supporting, BP4, BP7

Labcorp Genetics (formerly Invitae), Labcorp
Classification: Likely benign for Cohen syndrome. Last evaluated: 2023-03-20. Review status: criteria provided, single submitter. Criteria: Invitae Variant Classification Sherloc (09022015). Collection method: clinical testing. Allele origin: germline.

PreventionGenetics, part of Exact Sciences
Classification: Likely benign for VPS13B-related condition. Last evaluated: 2023-10-25. Review status: no assertion criteria provided. Collection method: clinical testing. Allele origin: germline. Not counted in ClinVar's aggregate classification.
Comment: This variant is classified as likely benign based on ACMG/AMP sequence variant interpretation guidelines (Richards et al. 2015 PMID: 25741868, with internal and published modifications).

NM_152564.5(VPS13B):c.3903A>G (p.Pro1301=)

Gene: VPS13B (vacuolar protein sorting 13 homolog B; plus strand). Cytogenetic location: 8q22.2.
Variant type: single nucleotide variant.
Coding change: c.3903A>G on transcript NM_152564.5 (MANE Select); coding-DNA position 3903, A replaced by G.
Protein change: p.Pro1301=; no amino-acid change (proline 1301 retained).
Molecular consequence: synonymous variant.
Genome position (GRCh38, 1-based): chr8:99,501,719, A>G. VCF-style: chr8-99501719-A-G. GRCh37 (hg19) VCF-style: chr8-100513947-A-G.
Other names: c.3903A>G, p.Pro1301= (NM_017890.5).
Identifiers: ClinVar variation 2715883 (VCV002715883.21), dbSNP rs965046131, ClinGen allele CA182981228.